The following is an entry in ClinVar:

NM_144997.7(FLCN):c.1709G>A (p.Arg570His)

Gene: FLCN (folliculin; minus strand). Cytogenetic location: 17p11.2.
Variant type: single nucleotide variant.
Coding change: c.1709G>A on transcript NM_144997.7 (MANE Select); coding-DNA position 1709, G replaced by A.
Protein change: p.Arg570His; replaces arginine 570 with histidine.
Molecular consequence: missense variant.
Genome position (GRCh38, 1-based): chr17:17,213,686, C>T on the plus strand (G>A on the coding strand, the complement: FLCN is on the minus strand). VCF-style: chr17-17213686-C-T. GRCh37 (hg19) VCF-style: chr17-17117000-C-T.
Other names: c.1709G>A (LRG_325t1); c.1763G>A, p.Arg588His (NM_001353229.2); c.1709G>A, p.Arg570His (NM_001353230.2, NM_001353231.2); short protein forms R570H, R588H.
Identifiers: ClinVar variation 229915 (VCV000229915.20), dbSNP rs201056799, ClinGen allele CA8415911.

ClinVar aggregate classification (germline): Conflicting classifications of pathogenicity. Review status: criteria provided, conflicting classifications (1 of 4 stars). 4 submissions from 4 submitters: Uncertain significance (3); Likely benign (1). Last evaluated 2025-02-20.

Conditions:
Colorectal cancer. Also called: Colorectal cancer, somatic; Malignant Colorectal Neoplasm. Identifiers: MedGen C0346629, MONDO:0005575, OMIM 114500.
Birt-Hogg-Dube syndrome 1 (BHD1). Also called: FIBROFOLLICULOMAS WITH TRICHODISCOMAS AND ACROCHORDONS. Identifiers: Orphanet 122, MedGen CN375946, MONDO:0800445, OMIM 135150.
Familial spontaneous pneumothorax (PSP). Identifiers: Orphanet 2903, MedGen C1868193, MONDO:0008259, OMIM 173600.
Nonpapillary renal cell carcinoma. Identifiers: Orphanet 422526, MedGen CN074294, MONDO:0007763, OMIM 144700.
Hereditary cancer-predisposing syndrome. Also called: Hereditary Cancer Syndrome; Neoplastic Syndromes, Hereditary; Tumor predisposition; Hereditary neoplastic syndrome. Identifiers: Orphanet 140162, MedGen C0027672, MeSH D009386, MONDO:0015356.
Birt-Hogg-Dube syndrome. Also called: Birt Hogg Dubé syndrome. Identifiers: Orphanet 122, MedGen C0346010, MONDO:0800444.

Allele frequency attached by ClinVar (database versions not stated): gnomAD 0.00001; TOPMed 0.00001; ExAC 0.00002; gnomAD exomes 0.00002.

Submissions (4):

GeneDx
Classification: Uncertain significance. Last evaluated: 2025-02-20. Review status: criteria provided, single submitter. Criteria: GeneDx Variant Classification Process June 2021. Collection method: clinical testing. Allele origin: germline. Affected: yes.
Comment: Not observed at significant frequency in large population cohorts (gnomAD); In silico analysis indicates that this missense variant does not alter protein structure/function; Has not been previously published as pathogenic or benign to our knowledge; This variant is associated with the following publications: (PMID: 22863191, 17028174, 33057194)

Labcorp Genetics (formerly Invitae), Labcorp
Classification: Uncertain significance for Birt-Hogg-Dube syndrome. Last evaluated: 2025-01-06. Review status: criteria provided, single submitter. Criteria: Invitae Variant Classification Sherloc (09022015). Collection method: clinical testing. Allele origin: germline.
Comment: This sequence change replaces arginine, which is basic and polar, with histidine, which is basic and polar, at codon 570 of the FLCN protein (p.Arg570His). This variant is present in population databases (rs201056799, gnomAD 0.003%). This variant has not been reported in the literature in individuals affected with FLCN-related conditions. ClinVar contains an entry for this variant (Variation ID: 229915). An algorithm developed to predict the effect of missense changes on protein structure and function (PolyPhen-2) suggests that this variant is likely to be disruptive. In summary, the available evidence is currently insufficient to determine the role of this variant in disease. Therefore, it has been classified as a Variant of Uncertain Significance.

Fulgent Genetics
Classification: Uncertain significance for Colorectal cancer; Birt-Hogg-Dube syndrome 1; Nonpapillary renal cell carcinoma; Familial spontaneous pneumothorax. Last evaluated: 2024-01-23. Review status: criteria provided, single submitter. Criteria: ACMG Guidelines, 2015. Collection method: clinical testing. Allele origin: germline.

Ambry Genetics
Classification: Likely benign for Hereditary cancer-predisposing syndrome. Last evaluated: 2023-01-23. Review status: criteria provided, single submitter. Criteria: Ambry Variant Classification Scheme 2023. Collection method: clinical testing. Allele origin: germline.